The following is an entry in ClinVar:

ClinVar aggregate classification (germline): Likely pathogenic (1 of 4 stars; one submission).

gnomAD v4.1: 1 of 1,613,908 alleles (0.000062%); highest among the groups gnomAD compares: Non-Finnish European, 0.000085%; no homozygotes.

Submission:

GeneDx
Classification: Likely pathogenic. Last evaluated: 2016-11-10. Review status: criteria provided, single submitter. Criteria: GeneDx Variant Classification (06012015). Collection method: clinical testing. Allele origin: germline. Affected: yes.
Comment: The Y5156C variant in the KMT2D gene has not been reported previously as a pathogenic variant, nor as a benign variant, to our knowledge. This variant was not observed in approximately 6300 individuals of European and African American ancestry in the NHLBI Exome Sequencing Project, indicating it is not a common benign variant in these populations. The Y5156C variant is a non-conservative amino acid substitution, which is likely to impact secondary protein structure as these residues differ in polarity, charge, size and/or other properties. This substitution occurs at a position that is conserved across species, and in silico analysis predicts this variant is probably damaging to the protein structure/function. The Y5156C variant is a strong candidate for a pathogenic variant

NM_003482.4(KMT2D):c.15467A>G (p.Tyr5156Cys)

Gene: KMT2D (lysine methyltransferase 2D; minus strand). Cytogenetic location: 12q13.12.
Variant type: single nucleotide variant.
Coding change: c.15467A>G on transcript NM_003482.4 (MANE Select); coding-DNA position 15467, A replaced by G.
Protein change: p.Tyr5156Cys; replaces tyrosine 5156 with cysteine.
Molecular consequence: missense variant.
Genome position (GRCh38, 1-based): chr12:49,026,499, T>C on the plus strand (A>G on the coding strand, the complement: KMT2D is on the minus strand). VCF-style: chr12-49026499-T-C. GRCh37 (hg19) VCF-style: chr12-49420282-T-C.
Other names: short protein forms Y5156C.
Identifiers: ClinVar variation 390681 (VCV000390681.2), dbSNP rs769483933, ClinGen allele CA16606292.